The following is an entry in ClinVar:

ClinVar aggregate classification (germline): Pathogenic (1 of 4 stars; one submission).

Conditions:
Hereditary spastic paraplegia 11. Also called: Spastic Paraplegia 11; SPASTIC PARAPLEGIA, AUTOSOMAL RECESSIVE, COMPLICATED, WITH THIN CORPUS CALLOSUM; SPASTIC PARAPLEGIA, AUTOSOMAL RECESSIVE, WITH MENTAL IMPAIRMENT AND THIN CORPUS CALLOSUM; Spastic paraplegia, mental retardation and thin corpus callosum; Nakamura Osame syndrome; Autosomal recessive hereditary spastic paraplegia, mental impairment, and thin corpus callosum. Identifiers: Orphanet 2822, MedGen C1858479, MONDO:0011445, OMIM 604360.

Allele frequency attached by ClinVar (database versions not stated): gnomAD exomes below 0.00001.

Submission:

Labcorp Genetics (formerly Invitae), Labcorp
Classification: Pathogenic for Hereditary spastic paraplegia 11. Last evaluated: 2022-06-20. Review status: criteria provided, single submitter. Criteria: Invitae Variant Classification Sherloc (09022015). Collection method: clinical testing. Allele origin: germline.
Comment: For these reasons, this variant has been classified as Pathogenic. ClinVar contains an entry for this variant (Variation ID: 650774). This variant has not been reported in the literature in individuals affected with SPG11-related conditions. This variant is not present in population databases (gnomAD no frequency). This sequence change creates a premature translational stop signal (p.Ile1065Phefs*8) in the SPG11 gene. It is expected to result in an absent or disrupted protein product. Loss-of-function variants in SPG11 are known to be pathogenic (PMID: 19105190, 20110243, 22154821, 26556829).

Literature cited by the submitters: PubMed 19105190; PubMed 20110243; PubMed 22154821; PubMed 26556829.

NM_025137.4(SPG11):c.3192del (p.Ile1065fs)

Gene: SPG11 (SPG11 vesicle trafficking associated, spatacsin; minus strand). Cytogenetic location: 15q21.1.
Variant type: Deletion.
Coding change: c.3192del on transcript NM_025137.4 (MANE Select); coding-DNA position 3192, one base deleted (G; older notation c.3192delG).
Protein change: p.Ile1065fs; shifts the reading frame from isoleucine 1065.
Molecular consequence: frameshift variant.
Genome position (GRCh38, 1-based): chr15:44,610,939, C deleted on the plus strand (G on the coding strand, the reverse complement: SPG11 is on the minus strand). VCF-style (leftmost placement, unchanged base first): chr15-44610938-TC-T. GRCh37 (hg19) VCF-style: chr15-44903136-TC-T.
Other names: c.3192del, p.Ile1065fs (NM_001160227.2); short protein forms I1065fs.
Identifiers: ClinVar variation 650774 (VCV000650774.6), dbSNP rs1595878941, ClinGen allele CA915946566.
Genomic context (GRCh38, chr15:44,610,938, plus strand): 5'-GGGCCAGGAGGGTATGTCCTTCCAATAGCATACTGCTTACACTGGCCTGATTGGTGGGAA[TC>T]AAAATCTGAGCATTTGCAAGGCTAGCCTGGAAGATCAGTTTGGGATCTGGAAAATAAAAG-3'